The following is an entry in ClinVar:

NM_032977.4(CASP10):c.110A>C (p.Glu37Ala)

Gene: CASP10 (caspase 10; plus strand). Cytogenetic location: 2q33.1.
Variant type: single nucleotide variant.
Coding change: c.110A>C on transcript NM_032977.4 (MANE Select); coding-DNA position 110, A replaced by C.
Protein change: p.Glu37Ala; replaces glutamic acid 37 with alanine.
Molecular consequence: missense variant.
Genome position (GRCh38, 1-based): chr2:201,185,887, A>C. VCF-style: chr2-201185887-A-C. GRCh37 (hg19) VCF-style: chr2-202050610-A-C.
Other names: c.110A>C, p.Glu37Ala (NM_001206524.2, NM_001206542.2, NM_001230.5 and 3 more transcripts); short protein forms E37A.
Identifiers: ClinVar variation 4783091 (VCV004783091.1).

ClinVar aggregate classification (germline): Uncertain significance (1 of 4 stars; one submission).

Conditions:
Autoimmune lymphoproliferative syndrome type 2A (ALPS2A). Also called: CASP10-Related Autoimmune Lymphoproliferative Syndrome; AUTOIMMUNE LYMPHOPROLIFERATIVE SYNDROME, TYPE IIA; Autoimmune lymphoproliferative syndrome type 2. Identifiers: Orphanet 3261, MedGen C1858968, MONDO:0011383, OMIM 603909.

Submission:

Labcorp Genetics (formerly Invitae), Labcorp
Classification: Uncertain significance for Autoimmune lymphoproliferative syndrome type 2A. Last evaluated: 2025-12-29. Review status: criteria provided, single submitter. Criteria: Invitae Variant Classification Sherloc (09022015). Collection method: clinical testing. Allele origin: germline.
Comment: This sequence change replaces glutamic acid, which is acidic and polar, with alanine, which is neutral and non-polar, at codon 37 of the CASP10 protein (p.Glu37Ala). This variant is not present in population databases (gnomAD no frequency). This variant has not been reported in the literature in individuals affected with CASP10-related conditions. Invitae Evidence Modeling of protein sequence and biophysical properties (such as structural, functional, and spatial information, amino acid conservation, physicochemical variation, residue mobility, and thermodynamic stability) indicates that this missense variant is not expected to disrupt CASP10 protein function with a negative predictive value of 80%. In summary, the available evidence is currently insufficient to determine the role of this variant in disease. Therefore, it has been classified as a Variant of Uncertain Significance.